The following is an entry in ClinVar:

ClinVar aggregate classification (germline): Uncertain significance (1 of 4 stars; one submission).

Conditions:
Hereditary spastic paraplegia 75. Also called: Spastic paraplegia 75, autosomal recessive. Identifiers: Orphanet 459056, MedGen C4225250, MONDO:0014729, OMIM 616680.

Submission:

Labcorp Genetics (formerly Invitae), Labcorp
Classification: Uncertain significance for Hereditary spastic paraplegia 75. Last evaluated: 2022-08-11. Review status: criteria provided, single submitter. Criteria: Invitae Variant Classification Sherloc (09022015). Collection method: clinical testing. Allele origin: germline.
Comment: In summary, the available evidence is currently insufficient to determine the role of this variant in disease. Therefore, it has been classified as a Variant of Uncertain Significance. This variant has not been reported in the literature in individuals affected with MAG-related conditions. A copy number gain of the genomic region encompassing the full coding sequence of the MAG gene has been identified. The boundaries of this event are unknown as they extend beyond the assayed region for this gene and therefore may encompass additional genes. As the precise location of this event is unknown, it may be in tandem or it may be located elsewhere in the genome.

NC_000019.9:g.(?_33167170)_(36643309_?)dup

Genes: ALKBH6 (alkB homolog 6; minus strand), APLP1 (amyloid beta precursor like protein 1; plus strand), ARHGAP33 (Rho GTPase activating protein 33; plus strand), ATP4A (ATPase H+/K+ transporting subunit alpha; minus strand), CAPNS1 (calpain small subunit 1; plus strand) and 80 more. Cytogenetic location: 19q13.11-13.12.
Variant type: Duplication.
Identifiers: ClinVar variation 2424426 (VCV002424426.5).